The following is an entry in ClinVar:

NM_004456.5(EZH2):c.1154G>A (p.Ser385Asn)

Gene: EZH2 (enhancer of zeste 2 polycomb repressive complex 2 subunit; minus strand). Cytogenetic location: 7q36.1.
Variant type: single nucleotide variant.
Coding change: c.1154G>A on transcript NM_004456.5 (MANE Select); coding-DNA position 1154, G replaced by A.
Protein change: p.Ser385Asn; replaces serine 385 with asparagine.
Molecular consequence: missense variant.
Genome position (GRCh38, 1-based): chr7:148,817,963, C>T on the plus strand (G>A on the coding strand, the complement: EZH2 is on the minus strand). VCF-style: chr7-148817963-C-T. GRCh37 (hg19) VCF-style: chr7-148515055-C-T.
Other names: c.1139G>A, p.Ser380Asn (NM_001203247.2); c.1112G>A, p.Ser371Asn (NM_001203248.2, NM_001203249.2); c.1022G>A, p.Ser341Asn (NM_152998.3); short protein forms S341N, S371N, S380N, S385N.
Identifiers: ClinVar variation 3067670 (VCV003067670.21), dbSNP rs2129471705, ClinGen allele CA369716311.

ClinVar aggregate classification (germline): Uncertain significance (1 of 4 stars; one submission).

Submission:

CeGaT Center for Human Genetics Tuebingen
Classification: Uncertain significance. Last evaluated: 2024-03-01. Review status: criteria provided, single submitter. Criteria: CeGaT Center For Human Genetics Tuebingen Variant Classification Criteria Version 2. Collection method: clinical testing. Allele origin: germline. Affected: yes. Observed: 1 variant allele.
Comment: EZH2: PM2, PP2